The following is an entry in ClinVar:

ClinVar aggregate classification (germline): Pathogenic. Review status: criteria provided, multiple submitters, no conflicts (2 of 4 stars). 3 submissions from 3 submitters: Pathogenic (2). 1 of the submissions does not count toward it. Last evaluated 2026-01-20.

Conditions:
Methylmalonic aciduria due to methylmalonyl-CoA mutase deficiency (MAMM). Also called: Methylmalonic aciduria, mut type. Identifiers: Orphanet 27, MedGen C1855114, MONDO:0009612, OMIM 251000.
Methylmalonic aciduria due to complete methylmalonyl-CoA mutase deficiency.

Submissions (3):

Natera, Inc.
Classification: Pathogenic for Methylmalonic aciduria due to complete methylmalonyl-CoA mutase deficiency. Last evaluated: 2026-01-20. Review status: criteria provided, single submitter. Criteria: Natera Variant Classification Schema (03/2026). Collection method: clinical testing. Allele origin: germline.
Comment: The c.29dupT variant in MMUT is a frameshift variant predicted to shift the reading frame beginning at codon 10 and leads to a stop codon 39 codons downstream. This variant is expected to result in nonsense mediated decay, truncation, or a dysfunctional protein product. This variant is rare in the general population with a frequency below the threshold expected for the associated phenotype(s). This variant has been observed in one or more individuals affected with the associated recessive disease, as either homozygous or compound heterozygous with a second variant (PMID: 27233228). Given the available evidence, this variant is classified as Pathogenic.

Labcorp Genetics (formerly Invitae), Labcorp
Classification: Pathogenic. Last evaluated: 2025-04-22. Review status: criteria provided, single submitter. Criteria: Invitae Variant Classification Sherloc (09022015). Collection method: clinical testing. Allele origin: germline.
Comment: This sequence change creates a premature translational stop signal (p.Leu10Phefs*39) in the MUT gene. It is expected to result in an absent or disrupted protein product. Loss-of-function variants in MUT are known to be pathogenic (PMID: 15781192). This variant is present in population databases (no rsID available, gnomAD 0.003%). This premature translational stop signal has been observed in individual(s) with MUT-related conditions (PMID: 25959030). ClinVar contains an entry for this variant (Variation ID: 553287). For these reasons, this variant has been classified as Pathogenic.

Counsyl
Classification: Pathogenic for Methylmalonic aciduria due to methylmalonyl-CoA mutase deficiency. Last evaluated: 2017-08-24. Review status: no assertion criteria provided. Collection method: clinical testing. Allele origin: unknown. Not counted in ClinVar's aggregate classification.

Literature cited by the submitters: PubMed 27233228 (cited by Natera, Inc. and Counsyl); PubMed 15781192 (cited by Labcorp Genetics (formerly Invitae), Labcorp); PubMed 25959030 (cited by Labcorp Genetics (formerly Invitae), Labcorp and Counsyl).

NM_000255.4(MMUT):c.29dup (p.Leu10fs)

Gene: MMUT (methylmalonyl-CoA mutase; minus strand). Cytogenetic location: 6p12.3.
Variant type: Duplication.
Coding change: c.29dup on transcript NM_000255.4 (MANE Select); coding-DNA position 29, one base duplicated (T; older notation c.29dupT).
Protein change: p.Leu10fs; shifts the reading frame from leucine 10.
Molecular consequence: frameshift variant.
Genome position (GRCh38, 1-based): chr6:49,459,438, A duplicated on the plus strand (T on the coding strand, the reverse complement: MMUT is on the minus strand); the first of 7 consecutive A bases (chr6:49,459,438-49,459,444); duplicating any one gives the same sequence. VCF-style (leftmost placement, unchanged base first): chr6-49459437-T-TA. GRCh37 (hg19) VCF-style: chr6-49427150-T-TA.
Other names: c.29dupT (NM_000255.3); short protein forms L10fs.
Identifiers: ClinVar variation 553287 (VCV000553287.13), dbSNP rs1437477079, ClinGen allele CA567155988.